The following is an entry in ClinVar:

NM_000143.4(FH):c.954_956dup (p.Asp319_Ala320insAsp)

Gene: FH (fumarate hydratase; minus strand). Cytogenetic location: 1q43.
Variant type: Duplication.
Coding change: c.954_956dup on transcript NM_000143.4 (MANE Select); coding-DNA positions 954 to 956, 3 bases duplicated (TGA; older notation c.954_956dupTGA).
Protein change: p.Asp319_Ala320insAsp.
Molecular consequence: inframe insertion. On other transcripts: inframe indel (1).
Genome position (GRCh38, 1-based): chr1:241,504,194-241,504,196, TCA duplicated on the plus strand (TGA on the coding strand, the reverse complement: FH is on the minus strand); duplicating any 3 consecutive bases within chr1:241,504,194-241,504,197 gives the same sequence; the c. name uses the placement nearest the transcript's 3' end. VCF-style (leftmost placement, unchanged base first): chr1-241504193-G-GTCA. GRCh37 (hg19) VCF-style: chr1-241667493-G-GTCA.
Other names: c.956_957insTGA (NM_000143.3); c.954_956dup (NM_000143.3).
Identifiers: ClinVar variation 2503792 (VCV002503792.4), dbSNP rs2527319645, ClinGen allele CA2580610703.

ClinVar aggregate classification (germline): Conflicting classifications of pathogenicity. Review status: criteria provided, conflicting classifications (1 of 4 stars). 3 submissions from 3 submitters: Likely pathogenic (2); Uncertain significance (1). Last evaluated 2025-07-31.

Conditions:
Hereditary leiomyomatosis and renal cell cancer. Also called: FH tumor predisposition syndrome; Reed syndrome; Multiple cutaneous and uterine leiomyomatosis; Cutaneous leiomyomata with uterine leiomyomata; Leiomyoma, hereditary multiple, of skin; Multiple cutaneous and uterine leiomyomata. Identifiers: Orphanet 523, MedGen C1708350, MONDO:0007888, OMIM 150800, HP:0007437. Disease mechanism: loss of function.

Submissions (3):

GeneDx
Classification: Likely pathogenic. Last evaluated: 2025-07-31. Review status: criteria provided, single submitter. Criteria: GeneDx Variant Classification Process June 2021. Collection method: clinical testing. Allele origin: germline. Affected: yes.
Comment: In-frame duplication of 1 amino acid(s) in a non-repeat region; Not observed at significant frequency in large population cohorts (gnomAD); This variant is associated with the following publications: (PMID: 31831373)

KCCC/NGS Laboratory, Kuwait Cancer Control Center
Classification: Likely pathogenic for Hereditary leiomyomatosis and renal cell cancer. Last evaluated: 2023-05-30. Review status: criteria provided, single submitter. Criteria: ACMG Guidelines, 2015. Collection method: clinical testing. Allele origin: unknown. Inheritance: Autosomal dominant inheritance. Affected: yes.
Comment: A likely pathogenic variant is detected in the FH gene (c.956_957insTGA).This sequence change adds aspartic acid after codon 319. This variant is not present in population databases. This in-frame amino acid duplication change has not been published in the literature. ClinVar does not contain an entry for this variant. However, ClinVar contains an entry for p.Asp319Val (ClinVar 1767407) and describes this variant as likely pathogenic. Algorithm developed to predict the effect of missense changes on protein structure and function (PolyPhen-2) suggests that this variant is likely to be disruptive. The variant lies in the region known to be a Hotspot of length 18 amino-acids has 33 missense/in-frame variants (14 pathogenic variants, 19 uncertain variants and no benign), which qualifies as very strong pathogenic (PM1, ACMG guidelines). This variant changes protein coding length as a result of in-frame variant in gene FH, and this variant is not located in a repeat region. In summary, the currently available evidence indicates that the variant is pathogenic, but additional data are needed to prove that conclusively. Therefore, this variant has been classified as Likely Pathogenic. Pathogenic/Likely pathogenic variants in the FH gene are associated with Hereditary Leiomyomatosis and Renal Cell Cancer (HLRCC, OMIM 150800).

Blueprint Genetics
Classification: Uncertain significance. Last evaluated: 2021-03-16. Review status: criteria provided, single submitter. Criteria: ACMG Guidelines, 2015. Collection method: clinical testing. Allele origin: germline.